The following is an entry in ClinVar:

ClinVar aggregate classification (germline): Benign/Likely benign. Review status: criteria provided, multiple submitters, no conflicts (2 of 4 stars). 11 submissions from 8 submitters: Benign (5); Likely benign (6). Last evaluated 2026-01-27.

Conditions:
Congenital myopathy 18. Also called: Myopathy, congenital, due to dihydropyridine receptor defect; DIHYDROPYRIDINE RECEPTOR CONGENITAL MYOPATHY; DHPR CONGENITAL MYOPATHY. Identifiers: MedGen C5830283, MONDO:0859514, OMIM 620246.
Hypokalemic periodic paralysis, type 1. Also called: Hypokalemic Periodic Paralysis Type 1 (AD); HypoPP. Identifiers: Orphanet 681, MedGen C3714580, MONDO:0042979, OMIM 170400.
Malignant hyperthermia, susceptibility to, 5 (MHS5). Also called: CACNA1S-Related Malignant Hyperthermia Susceptibility. Identifiers: Orphanet 423, MedGen C1866077, MONDO:0011163, OMIM 601887.
Thyrotoxic periodic paralysis, susceptibility to, 1 (TTPP1). Identifiers: Orphanet 79102, MedGen C2749982, MONDO:0008570, OMIM 188580.

Submissions (11):

Labcorp Genetics (formerly Invitae), Labcorp
Classification: Benign for Hypokalemic periodic paralysis, type 1; Malignant hyperthermia, susceptibility to, 5. Last evaluated: 2026-01-27. Review status: criteria provided, single submitter. Criteria: Invitae Variant Classification Sherloc (09022015). Collection method: clinical testing. Allele origin: germline.

Blueprint Genetics
Classification: Likely benign. Last evaluated: 2024-08-12. Review status: criteria provided, single submitter. Criteria: ACMG Guidelines, 2015. Collection method: clinical testing. Allele origin: germline.

Mayo Clinic Laboratories, Mayo Clinic
Classification: Benign. Last evaluated: 2024-02-29. Review status: criteria provided, single submitter. Criteria: ACMG Guidelines, 2015. Collection method: clinical testing. Allele origin: germline. Observed: 4 variant alleles.

Genome-Nilou Lab
Classification: Likely benign for Malignant hyperthermia, susceptibility to, 5. Last evaluated: 2023-04-11. Review status: criteria provided, single submitter. Criteria: ACMG Guidelines, 2015. Collection method: clinical testing. Allele origin: germline. Affected: no.

Genome-Nilou Lab
Classification: Likely benign for Thyrotoxic periodic paralysis, susceptibility to, 1. Last evaluated: 2023-04-11. Review status: criteria provided, single submitter. Criteria: ACMG Guidelines, 2015. Collection method: clinical testing. Allele origin: germline. Affected: no.

Genome-Nilou Lab
Classification: Likely benign for Congenital myopathy 18. Last evaluated: 2023-04-11. Review status: criteria provided, single submitter. Criteria: ACMG Guidelines, 2015. Collection method: clinical testing. Allele origin: germline. Affected: no.

Genome-Nilou Lab
Classification: Likely benign for Hypokalemic periodic paralysis, type 1. Last evaluated: 2023-04-11. Review status: criteria provided, single submitter. Criteria: ACMG Guidelines, 2015. Collection method: clinical testing. Allele origin: germline. Affected: no.

Color Diagnostics, LLC DBA Color Health
Classification: Benign for Malignant hyperthermia, susceptibility to, 5. Last evaluated: 2022-08-17. Review status: criteria provided, single submitter. Criteria: ACMG Guidelines, 2015. Collection method: clinical testing. Allele origin: germline.

Athena Diagnostics
Classification: Benign. Last evaluated: 2019-12-30. Review status: criteria provided, single submitter. Criteria: Athena Diagnostics Criteria. Collection method: clinical testing. Allele origin: unknown.

GeneDx
Classification: Benign. Last evaluated: 2016-05-26. Review status: criteria provided, single submitter. Criteria: GeneDx Variant Classification (06012015). Collection method: clinical testing. Allele origin: germline. Affected: yes.
Comment: This variant is considered likely benign or benign based on one or more of the following criteria: it is a conservative change, it occurs at a poorly conserved position in the protein, it is predicted to be benign by multiple in silico algorithms, and/or has population frequency not consistent with disease.

PreventionGenetics, part of Exact Sciences
Classification: Likely benign. Review status: criteria provided, single submitter. Criteria: ACMG Guidelines, 2015. Collection method: clinical testing. Allele origin: germline.

NM_000069.3(CACNA1S):c.5490_5497del (p.Leu1832fs)

Gene: CACNA1S (calcium voltage-gated channel subunit alpha1 S; minus strand). Cytogenetic location: 1q32.1.
Variant type: Deletion.
Coding change: c.5490_5497del on transcript NM_000069.3 (MANE Select); coding-DNA positions 5490 to 5497, 8 bases deleted (AGAGCTAC; older notation c.5490_5497delAGAGCTAC).
Protein change: p.Leu1832fs; shifts the reading frame from leucine 1832.
Molecular consequence: frameshift variant.
Genome position (GRCh38, 1-based): chr1:201,039,956-201,039,963, GTAGCTCT deleted on the plus strand (AGAGCTAC on the coding strand, the reverse complement: CACNA1S is on the minus strand); deleting any 8 consecutive bases within chr1:201,039,956-201,039,965 gives the same sequence; the c. name uses the placement nearest the transcript's 3' end. VCF-style (leftmost placement, unchanged base first): chr1-201039955-AGTAGCTCT-A. GRCh37 (hg19) VCF-style: chr1-201009083-AGTAGCTCT-A.
Other names: p.Leu1832Argfs*67; c.5490_5497del (NM_000069.2); short protein forms L1832fs.
Identifiers: ClinVar variation 254849 (VCV000254849.17), dbSNP rs554596425, ClinGen allele CA083880.